The following is an entry in ClinVar:

ClinVar aggregate classification (germline): Uncertain significance (1 of 4 stars; one submission).

gnomAD v4.1: 1 of 1,613,830 alleles (0.000062%); highest among the groups gnomAD compares: Non-Finnish European, 0.000085%; no homozygotes.

Submission:

GeneDx
Classification: Uncertain significance. Last evaluated: 2024-04-10. Review status: criteria provided, single submitter. Criteria: GeneDx Variant Classification Process June 2021. Collection method: clinical testing. Allele origin: germline. Affected: yes.
Comment: Not observed at significant frequency in large population cohorts (gnomAD); In silico analysis indicates that this missense variant does not alter protein structure/function; Has not been previously published as pathogenic or benign to our knowledge

NM_001162501.2(TNRC6B):c.2287A>G (p.Ser763Gly)

Gene: TNRC6B (trinucleotide repeat containing adaptor 6B; plus strand). Cytogenetic location: 22q13.1.
Variant type: single nucleotide variant.
Coding change: c.2287A>G on transcript NM_001162501.2 (MANE Select); coding-DNA position 2287, A replaced by G.
Protein change: p.Ser763Gly; replaces serine 763 with glycine.
Molecular consequence: missense variant. On other transcripts: intron variant (1).
Genome position (GRCh38, 1-based): chr22:40,266,517, A>G. VCF-style: chr22-40266517-A-G. GRCh37 (hg19) VCF-style: chr22-40662521-A-G.
Other names: c.2287A>G, p.Ser763Gly (NM_015088.3); c.566-3605A>G (NM_001024843.2); short protein forms S763G.
Identifiers: ClinVar variation 3372406 (VCV003372406.1).